The following is an entry in ClinVar:

ClinVar aggregate classification (germline): Uncertain significance (1 of 4 stars; one submission).

Submission:

Labcorp Genetics (formerly Invitae), Labcorp
Classification: Uncertain significance. Last evaluated: 2025-05-14. Review status: criteria provided, single submitter. Criteria: Invitae Variant Classification Sherloc (09022015). Collection method: clinical testing. Allele origin: germline.
Comment: This sequence change falls in intron 7 of the SLC25A21 gene. It does not directly change the encoded amino acid sequence of the SLC25A21 protein. This variant is present in population databases (rs765925319, gnomAD 0.01%). This variant has not been reported in the literature in individuals affected with SLC25A21-related conditions. Algorithms developed to predict the effect of sequence changes on RNA splicing suggest that this variant may disrupt the consensus splice site. In summary, the available evidence is currently insufficient to determine the role of this variant in disease. Therefore, it has been classified as a Variant of Uncertain Significance.

NM_030631.4(SLC25A21):c.604-7_604-3del

Gene: SLC25A21 (solute carrier family 25 member 21; minus strand). Cytogenetic location: 14q13.3.
Variant type: Microsatellite.
Coding change: c.604-7_604-3del on transcript NM_030631.4 (MANE Select); 7 bases into the intron before coding-DNA position 604 through 3 bases into the intron before coding-DNA position 604, 5 bases deleted (CTTTT; older notation c.604-7_604-3delCTTTT).
Molecular consequence: intron variant.
Genome position (GRCh38, 1-based): chr14:36,684,928-36,684,932, AAAAG deleted on the plus strand (CTTTT on the coding strand, the reverse complement: SLC25A21 is on the minus strand); deleting any 5 consecutive bases within chr14:36,684,928-36,684,939 gives the same sequence; the c. name uses the placement nearest the transcript's 3' end. VCF-style (leftmost placement, unchanged base first): chr14-36684927-TAAAAG-T. GRCh37 (hg19) VCF-style: chr14-37154132-TAAAAG-T.
Other names: c.604-7_604-3del (NM_001171170.2).
Identifiers: ClinVar variation 2177114 (VCV002177114.4), dbSNP rs765925319, ClinGen allele CA7159244.